The following is an entry in ClinVar:

NM_000264.5(PTCH1):c.2842_2849del (p.Trp948fs)

Gene: PTCH1 (patched 1; minus strand). Cytogenetic location: 9q22.32.
Variant type: Deletion.
Coding change: c.2842_2849del on transcript NM_000264.5 (MANE Select); coding-DNA positions 2842 to 2849, 8 bases deleted (TGGGTCCA; older notation c.2842_2849delTGGGTCCA).
Protein change: p.Trp948fs; shifts the reading frame from tryptophan 948.
Molecular consequence: frameshift variant. On other transcripts: non-coding transcript variant (1).
Genome position (GRCh38, 1-based): chr9:95,459,638-95,459,645, TGGACCCA deleted on the plus strand (TGGGTCCA on the coding strand, the reverse complement: PTCH1 is on the minus strand); deleting any 8 consecutive bases within chr9:95,459,638-95,459,646 gives the same sequence; the c. name uses the placement nearest the transcript's 3' end. VCF-style (leftmost placement, unchanged base first): chr9-95459637-GTGGACCCA-G. GRCh37 (hg19) VCF-style: chr9-98221919-GTGGACCCA-G.
Other names: c.2644_2651del, p.Trp882fs (NM_001083602.3); c.2839_2846del, p.Trp947fs (NM_001083603.3); c.2389_2396del, p.Trp797fs (NM_001083604.3, NM_001083605.3, NM_001083606.3 and 1 more transcripts); c.2686_2693del, p.Trp896fs (NM_001354918.2); short protein forms W947fs, W948fs, W797fs, W882fs, W896fs.
Identifiers: ClinVar variation 216057 (VCV000216057.8), dbSNP rs863224485, ClinGen allele CA336680.
Genomic context (GRCh38, chr9:95,459,637, plus strand): 5'-CCTCCCGATAAAACGCTACTTACTTCTCAGCCTTGTTTCAGGCATGTAGTCGGCTTTGTC[GTGGACCCA>G]TTCTGGTCGGTGTGGCCGGATGTTGGCCTGGGAGGCAGCATACGCGACGGGGTCGTTGCT-3'

ClinVar aggregate classification (germline): Pathogenic. Review status: criteria provided, multiple submitters, no conflicts (2 of 4 stars). 2 submissions from 2 submitters: Pathogenic (2). Last evaluated 2023-09-18.

Conditions:
Hereditary cancer-predisposing syndrome. Also called: Tumor predisposition; Hereditary Cancer Syndrome; Neoplastic Syndromes, Hereditary; Hereditary neoplastic syndrome. Identifiers: Orphanet 140162, MedGen C0027672, MeSH D009386, MONDO:0015356.
Gorlin syndrome. Also called: Nevoid Basal Cell Carcinoma Syndrome; Basal cell nevus syndrome. Identifiers: Orphanet 377, MedGen C0004779, MONDO:0007187.

Submissions (2):

Ambry Genetics
Classification: Pathogenic for Hereditary cancer-predisposing syndrome. Last evaluated: 2023-09-18. Review status: criteria provided, single submitter. Criteria: Ambry Variant Classification Scheme 2023. Collection method: clinical testing. Allele origin: germline.
Comment: The c.2842_2849delTGGGTCCA pathogenic mutation, located in coding exon 17 of the PTCH1 gene, results from a deletion of 8 nucleotides at nucleotide positions 2842 to 2849, causing a translational frameshift with a predicted alternate stop codon (p.W948Rfs*8). This alteration has been observed in at least one individual with a personal and/or family history that is consistent with PTCH1-related disease (Ambry internal data). This variant is considered to be rare based on population cohorts in the Genome Aggregation Database (gnomAD). This alteration is expected to result in loss of function by premature protein truncation or nonsense-mediated mRNA decay. As such, this alteration is interpreted as a disease-causing mutation.

Labcorp Genetics (formerly Invitae), Labcorp
Classification: Pathogenic for Gorlin syndrome. Last evaluated: 2020-02-17. Review status: criteria provided, single submitter. Criteria: Invitae Variant Classification Sherloc (09022015). Collection method: clinical testing. Allele origin: germline.
Comment: For these reasons, this variant has been classified as Pathogenic. Loss-of-function variants in PTCH1 are known to be pathogenic (PMID: 16301862, 16419085). This variant has not been reported in the literature in individuals with PTCH1-related conditions. This variant is not present in population databases (ExAC no frequency). This sequence change creates a premature translational stop signal (p.Trp948Argfs*8) in the PTCH1 gene. It is expected to result in an absent or disrupted protein product.

Literature cited by the submitters: PubMed 16301862 (cited by Labcorp Genetics (formerly Invitae), Labcorp); PubMed 16419085 (cited by Labcorp Genetics (formerly Invitae), Labcorp).